The following is an entry in ClinVar:

NM_004369.4(COL6A3):c.1087C>T (p.Arg363Cys)

Gene: COL6A3 (collagen type VI alpha 3 chain; minus strand). Cytogenetic location: 2q37.3.
Variant type: single nucleotide variant.
Coding change: c.1087C>T on transcript NM_004369.4 (MANE Select); coding-DNA position 1087, C replaced by T.
Protein change: p.Arg363Cys; replaces arginine 363 with cysteine.
Molecular consequence: missense variant. On other transcripts: intron variant (2).
Genome position (GRCh38, 1-based): chr2:237,387,807, G>A on the plus strand (C>T on the coding strand, the complement: COL6A3 is on the minus strand). VCF-style: chr2-237387807-G-A. GRCh37 (hg19) VCF-style: chr2-238296450-G-A.
Other names: c.1087C>T (NM_004369.3); c.469C>T, p.Arg157Cys (NM_057165.5, NM_057167.4); c.92-6308C>T (NM_057166.5, NM_057164.5); short protein forms R363C, R157C.
Identifiers: ClinVar variation 283237 (VCV000283237.13), dbSNP rs759280111, ClinGen allele CA2189712.
Genomic context (GRCh38, chr2:237,387,807, plus strand): 5'-CCTGGGCTCCAAGGCCGAATGAGAACACGCTAGCCTGCTTCAGTGCTACCACCCCGTAGC[G>A]AATCTCGTCACTAGAAGGCCCGGCACTTATGAGGACCAGCACCTGGGGAACCCCTTCCTC-3'
Protein context (NP_004360.2, residues 353-373): ISAGPSSDEI[Arg363Cys]YGVVALKQAS

ClinVar aggregate classification (germline): Conflicting classifications of pathogenicity. Review status: criteria provided, conflicting classifications (1 of 4 stars). 4 submissions from 4 submitters: Uncertain significance (3); Likely benign (1). Last evaluated 2024-11-28.

Conditions:
Bethlem myopathy 1A. Also called: Bethlem myopathy 1; MYOPATHY, BENIGN CONGENITAL, WITH CONTRACTURES; Bethlem Muscular Dystrophy. Identifiers: Orphanet 610, MedGen CN029274, MONDO:0024530, OMIM 158810.
Inborn genetic diseases. Identifiers: MedGen C0950123, MeSH D030342.

Allele frequency attached by ClinVar (database versions not stated): gnomAD 0.00003; TOPMed 0.00012.
gnomAD v4.1: 30 of 1,614,022 alleles (0.0019%); highest among the groups gnomAD compares: Admixed American, 0.0083%; no homozygotes.

Submissions (4):

Ambry Genetics
Classification: Uncertain significance for Inborn genetic diseases. Last evaluated: 2024-11-28. Review status: criteria provided, single submitter. Criteria: Ambry Variant Classification Scheme 2023. Collection method: clinical testing. Allele origin: germline.

Labcorp Genetics (formerly Invitae), Labcorp
Classification: Likely benign for Bethlem myopathy 1A. Last evaluated: 2024-07-23. Review status: criteria provided, single submitter. Criteria: Invitae Variant Classification Sherloc (09022015). Collection method: clinical testing. Allele origin: germline.

GeneDx
Classification: Uncertain significance. Last evaluated: 2023-03-17. Review status: criteria provided, single submitter. Criteria: GeneDx Variant Classification Process June 2021. Collection method: clinical testing. Allele origin: germline. Affected: yes.
Comment: In silico analysis supports that this missense variant has a deleterious effect on protein structure/function; Has not been previously published as pathogenic or benign to our knowledge

Eurofins Ntd Llc (ga)
Classification: Uncertain significance. Last evaluated: 2015-09-04. Review status: criteria provided, single submitter. Criteria: EGL Classification Definitions 2015. Collection method: clinical testing. Allele origin: germline. Observed: 1 variant allele, 1 heterozygote.